The following is an entry in ClinVar:

ClinVar aggregate classification (germline): Uncertain significance. Review status: criteria provided, multiple submitters, no conflicts (2 of 4 stars). 3 submissions from 3 submitters: Uncertain significance (3). Last evaluated 2025-12-20.

Conditions:
Hereditary cancer-predisposing syndrome. Also called: Neoplastic Syndromes, Hereditary; Hereditary neoplastic syndrome; Tumor predisposition; Hereditary Cancer Syndrome. Identifiers: Orphanet 140162, MedGen C0027672, MeSH D009386, MONDO:0015356.
Familial cancer of breast. Also called: Hereditary breast cancer; BREAST CANCER, FAMILIAL; hereditary breast carcinoma. Identifiers: Orphanet 227535, MedGen C0346153, MONDO:0016419, OMIM 114480. Disease mechanism: loss of function.

Allele frequency attached by ClinVar (database versions not stated): gnomAD exomes below 0.00001; gnomAD 0.00001; TOPMed 0.00001.
gnomAD v4.1: 2 of 1,614,048 alleles (0.00012%); highest among the groups gnomAD compares: African/African-American, 0.0027%; no homozygotes.

Submissions (3):

Ambry Genetics
Classification: Uncertain significance for Hereditary cancer-predisposing syndrome. Last evaluated: 2025-12-20. Review status: criteria provided, single submitter. Criteria: Ambry Variant Classification Scheme 2023. Collection method: clinical testing. Allele origin: germline.
Comment: The p.L659V variant (also known as c.1975C>G), located in coding exon 5 of the PALB2 gene, results from a C to G substitution at nucleotide position 1975. The leucine at codon 659 is replaced by valine, an amino acid with highly similar properties. This amino acid position is conserved. In addition, this alteration is predicted to be tolerated by in silico analysis. Since supporting evidence is limited at this time, the clinical significance of this alteration remains unclear.

Labcorp Genetics (formerly Invitae), Labcorp
Classification: Uncertain significance for Familial cancer of breast. Last evaluated: 2025-02-09. Review status: criteria provided, single submitter. Criteria: Invitae Variant Classification Sherloc (09022015). Collection method: clinical testing. Allele origin: germline.
Comment: This sequence change replaces leucine, which is neutral and non-polar, with valine, which is neutral and non-polar, at codon 659 of the PALB2 protein (p.Leu659Val). This variant is present in population databases (no rsID available, gnomAD 0.007%). This variant has not been reported in the literature in individuals affected with PALB2-related conditions. ClinVar contains an entry for this variant (Variation ID: 566045). Invitae Evidence Modeling of protein sequence and biophysical properties (such as structural, functional, and spatial information, amino acid conservation, physicochemical variation, residue mobility, and thermodynamic stability) indicates that this missense variant is not expected to disrupt PALB2 protein function with a negative predictive value of 80%. In summary, the available evidence is currently insufficient to determine the role of this variant in disease. Therefore, it has been classified as a Variant of Uncertain Significance.

Color Diagnostics, LLC DBA Color Health
Classification: Uncertain significance for Hereditary cancer-predisposing syndrome. Last evaluated: 2023-12-04. Review status: criteria provided, single submitter. Criteria: ACMG Guidelines, 2015. Collection method: clinical testing. Allele origin: germline.
Comment: This missense variant replaces leucine with valine at codon 659 of the PALB2 protein. Computational prediction suggests that this variant may not impact protein structure and function (internally defined REVEL score threshold <= 0.5, PMID: 27666373). To our knowledge, functional studies have not been reported for this variant. This variant has not been reported in individuals affected with PALB2-related disorders in the literature. This variant has been identified in 1/251286 chromosomes in the general population by the Genome Aggregation Database (gnomAD). The available evidence is insufficient to determine the role of this variant in disease conclusively. Therefore, this variant is classified as a Variant of Uncertain Significance.

NM_024675.4(PALB2):c.1975C>G (p.Leu659Val)

Gene: PALB2 (partner and localizer of BRCA2; minus strand). Cytogenetic location: 16p12.2.
Variant type: single nucleotide variant.
Coding change: c.1975C>G on transcript NM_024675.4 (MANE Select); coding-DNA position 1975, C replaced by G.
Protein change: p.Leu659Val; replaces leucine 659 with valine.
Molecular consequence: missense variant.
Genome position (GRCh38, 1-based): chr16:23,630,179, G>C on the plus strand (C>G on the coding strand, the complement: PALB2 is on the minus strand). VCF-style: chr16-23630179-G-C. GRCh37 (hg19) VCF-style: chr16-23641500-G-C.
Other names: short protein forms L659V.
Identifiers: ClinVar variation 566045 (VCV000566045.15), dbSNP rs906858995, ClinGen allele CA279493131.
Genomic context (GRCh38, chr16:23,630,179, plus strand): 5'-GTAGAACAATAAGGTCCTCTTCTAAGTCCTCCATTTCTGTATCCATGCGTTTAGGACTCA[G>C]TTCCTCTGGAAAAATACAGCTTCCCTCTTTAAGATGTCTCTCTCCAAACATTTTTGACTC-3'
Protein context (NP_078951.2, residues 649-669): KEGSCIFPEE[Leu659Val]SPKRMDTEME